The following is an entry in ClinVar:

ClinVar aggregate classification (germline): Uncertain significance (1 of 4 stars; one submission).

Submission:

GeneDx
Classification: Uncertain significance. Last evaluated: 2022-07-25. Review status: criteria provided, single submitter. Criteria: GeneDx Variant Classification Process June 2021. Collection method: clinical testing. Allele origin: germline. Affected: yes.
Comment: Not observed at significant frequency in large population cohorts (gnomAD); Missense variants in this gene are often considered pathogenic (HGMD); In silico analysis supports that this missense variant has a deleterious effect on protein structure/function; Has not been previously published as pathogenic or benign to our knowledge; This substitution is predicted to be within the extracellular loop between the S5 and S6 transmembrane segments of the second homologous domain

NM_001040142.2(SCN2A):c.2730T>G (p.Cys910Trp)

Gene: SCN2A (sodium voltage-gated channel alpha subunit 2; plus strand). Cytogenetic location: 2q24.3.
Variant type: single nucleotide variant.
Coding change: c.2730T>G on transcript NM_001040142.2 (MANE Select); coding-DNA position 2730, T replaced by G.
Protein change: p.Cys910Trp; replaces cysteine 910 with tryptophan.
Molecular consequence: missense variant.
Genome position (GRCh38, 1-based): chr2:165,344,722, T>G. VCF-style: chr2-165344722-T-G. GRCh37 (hg19) VCF-style: chr2-166201232-T-G.
Other names: c.2730T>G, p.Cys910Trp (NM_001040143.2, NM_001371246.1, NM_001371247.1 and 1 more transcripts); short protein forms C910W.
Identifiers: ClinVar variation 2413077 (VCV002413077.3), dbSNP rs1553579378, ClinGen allele CA349014953.